The following is an entry in ClinVar:

ClinVar aggregate classification (germline): Uncertain significance (1 of 4 stars; one submission).

Conditions:
Intellectual developmental disorder, X-linked 99. Also called: Intellectual disability, X-linked 99. Identifiers: Orphanet 777, MedGen C3806746, MONDO:0010487, OMIM 300919.

Submission:

Neuberg Centre For Genomic Medicine, NCGM
Classification: Uncertain significance for Intellectual developmental disorder, X-linked 99. Last evaluated: 2023-06-02. Review status: criteria provided, single submitter. Criteria: ACMG Guidelines, 2015. Collection method: clinical testing. Allele origin: germline. Inheritance: X-linked recessive inheritance. Affected: yes.
Comment: The missense variant c.1928G>A (p.Arg643Lys) in the USP9X gene has not been reported previously as a pathogenic variant nor as a benign variant, to our knowledge. This variant is absent in the gnomAD Exomes. The amino acid Arginine at position 643 is changed to a Lysine changing protein sequence and it might alter its composition and physico-chemical properties. Computational evidence (Polyphen, SIFT and MutationTaster) predicts conflicting evidence on protein structure and function for this variant. The amino acid change p.Arg643Lys in USP9X is predicted as conserved by GERP++ and PhyloP across 100 vertebrates. For these reasons, this variant has been classified as Uncertain Significance.

NM_001039591.3(USP9X):c.1928G>A (p.Arg643Lys)

Gene: USP9X (ubiquitin specific peptidase 9 X-linked; plus strand). Cytogenetic location: Xp11.4.
Variant type: single nucleotide variant.
Coding change: c.1928G>A on transcript NM_001039591.3 (MANE Select); coding-DNA position 1928, G replaced by A.
Protein change: p.Arg643Lys; replaces arginine 643 with lysine.
Molecular consequence: missense variant.
Genome position (GRCh38, 1-based): chrX:41,162,820, G>A. VCF-style: chrX-41162820-G-A. GRCh37 (hg19) VCF-style: chrX-41022073-G-A.
Other names: c.1928G>A, p.Arg643Lys (NM_001039590.3); c.1943G>A, p.Arg648Lys (NM_001410748.1, NM_001410749.1); short protein forms R643K, R648K.
Identifiers: ClinVar variation 3362292 (VCV003362292.3).